The following is an entry in ClinVar:

ClinVar aggregate classification (germline): Uncertain significance. Review status: criteria provided, multiple submitters, no conflicts (2 of 4 stars). 4 submissions from 4 submitters: Uncertain significance (4). Last evaluated 2024-01-04.

Conditions:
Inborn genetic diseases. Identifiers: MedGen C0950123, MeSH D030342.
Spastic paraplegia. Identifiers: MedGen C0037772, HP:0001258.

Allele frequency attached by ClinVar (database versions not stated): gnomAD exomes 0.00003 and 0.00011; ExAC 0.00018; gnomAD 0.00036; TOPMed 0.00036; ESP Exome Variant Server 0.00069; 1000 Genomes Project 30x 0.00078; 1000 Genomes Project 0.00080.
gnomAD v4.1: 99 of 1,613,190 alleles (0.0061%); highest among the groups gnomAD compares: African/African-American, 0.11%; no homozygotes.

Submissions (4):

GeneDx
Classification: Uncertain significance. Last evaluated: 2024-01-04. Review status: criteria provided, single submitter. Criteria: GeneDx Variant Classification Process June 2021. Collection method: clinical testing. Allele origin: germline. Affected: yes.
Comment: In silico analysis supports that this missense variant does not alter protein structure/function; Has not been previously published as pathogenic or benign to our knowledge

Labcorp Genetics (formerly Invitae), Labcorp
Classification: Uncertain significance for Spastic paraplegia. Last evaluated: 2022-06-28. Review status: criteria provided, single submitter. Criteria: Invitae Variant Classification Sherloc (09022015). Collection method: clinical testing. Allele origin: germline.
Comment: This sequence change replaces threonine, which is neutral and polar, with alanine, which is neutral and non-polar, at codon 1283 of the ZFYVE26 protein (p.Thr1283Ala). This variant is present in population databases (rs116139296, gnomAD 0.1%). This variant has not been reported in the literature in individuals affected with ZFYVE26-related conditions. ClinVar contains an entry for this variant (Variation ID: 458282). Algorithms developed to predict the effect of missense changes on protein structure and function output the following: SIFT: "Tolerated"; PolyPhen-2: "Benign"; Align-GVGD: "Class C0". The alanine amino acid residue is found in multiple mammalian species, which suggests that this missense change does not adversely affect protein function. In summary, the available evidence is currently insufficient to determine the role of this variant in disease. Therefore, it has been classified as a Variant of Uncertain Significance.

Ambry Genetics
Classification: Uncertain significance for Inborn genetic diseases. Last evaluated: 2021-08-02. Review status: criteria provided, single submitter. Criteria: Ambry Variant Classification Scheme 2023. Collection method: clinical testing. Allele origin: germline.

Mayo Clinic Laboratories, Mayo Clinic
Classification: Uncertain significance. Last evaluated: 2021-07-27. Review status: criteria provided, single submitter. Criteria: ACMG Guidelines, 2015. Collection method: clinical testing. Allele origin: germline.

NM_015346.4(ZFYVE26):c.3847A>G (p.Thr1283Ala)

Gene: ZFYVE26 (zinc finger FYVE-type containing 26; minus strand). Cytogenetic location: 14q24.1.
Variant type: single nucleotide variant.
Coding change: c.3847A>G on transcript NM_015346.4 (MANE Select); coding-DNA position 3847, A replaced by G.
Protein change: p.Thr1283Ala; replaces threonine 1283 with alanine.
Molecular consequence: missense variant.
Genome position (GRCh38, 1-based): chr14:67,783,305, T>C on the plus strand (A>G on the coding strand, the complement: ZFYVE26 is on the minus strand). VCF-style: chr14-67783305-T-C. GRCh37 (hg19) VCF-style: chr14-68250022-T-C.
Other names: p.Thr1283Ala; short protein forms T1283A.
Identifiers: ClinVar variation 458282 (VCV000458282.11), dbSNP rs116139296, ClinGen allele CA7239892.